The following is an entry in ClinVar:

ClinVar aggregate classification (germline): Uncertain significance. Review status: criteria provided, multiple submitters, no conflicts (2 of 4 stars). 2 submissions from 2 submitters: Uncertain significance (2). Last evaluated 2025-08-05.

Conditions:
Inborn genetic diseases. Identifiers: MedGen C0950123, MeSH D030342.
Meckel syndrome, type 11 (MKS11). Identifiers: Orphanet 564, MedGen C3809352, MONDO:0014164, OMIM 615397.
Joubert syndrome 20 (JBTS20). Identifiers: Orphanet 475, MedGen C3554235, MONDO:0013994, OMIM 614970.

Allele frequency attached by ClinVar (database versions not stated): ExAC 0.00002; gnomAD 0.00002; gnomAD exomes 0.00003; TOPMed 0.00003.
gnomAD v4.1: 51 of 1,613,686 alleles (0.0032%); highest among the groups gnomAD compares: Non-Finnish European, 0.0041%; no homozygotes.

Submissions (2):

Ambry Genetics
Classification: Uncertain significance for Inborn genetic diseases. Last evaluated: 2025-08-05. Review status: criteria provided, single submitter. Criteria: Ambry Variant Classification Scheme 2023. Collection method: clinical testing. Allele origin: germline.

Labcorp Genetics (formerly Invitae), Labcorp
Classification: Uncertain significance for Joubert syndrome 20; Meckel syndrome, type 11. Last evaluated: 2022-07-30. Review status: criteria provided, single submitter. Criteria: Invitae Variant Classification Sherloc (09022015). Collection method: clinical testing. Allele origin: germline.
Comment: This sequence change replaces isoleucine, which is neutral and non-polar, with methionine, which is neutral and non-polar, at codon 340 of the TMEM231 protein (p.Ile340Met). This variant is present in population databases (rs758007266, gnomAD 0.002%). This variant has not been reported in the literature in individuals affected with TMEM231-related conditions. Algorithms developed to predict the effect of missense changes on protein structure and function are either unavailable or do not agree on the potential impact of this missense change (SIFT: "Deleterious"; PolyPhen-2: "Not Available"; Align-GVGD: "Class C0"). In summary, the available evidence is currently insufficient to determine the role of this variant in disease. Therefore, it has been classified as a Variant of Uncertain Significance.

NM_001077418.3(TMEM231):c.861C>G (p.Ile287Met)

Gene: TMEM231 (transmembrane protein 231; minus strand). Cytogenetic location: 16q23.1.
Variant type: single nucleotide variant.
Coding change: c.861C>G on transcript NM_001077418.3 (MANE Select); coding-DNA position 861, C replaced by G.
Protein change: p.Ile287Met; replaces isoleucine 287 with methionine.
Molecular consequence: missense variant. On other transcripts: non-coding transcript variant (1).
Genome position (GRCh38, 1-based): chr16:75,540,084, G>C on the plus strand (C>G on the coding strand, the complement: TMEM231 is on the minus strand). VCF-style: chr16-75540084-G-C. GRCh37 (hg19) VCF-style: chr16-75573982-G-C.
Other names: c.1020C>G, p.Ile340Met (NM_001077416.2); short protein forms I287M, I340M.
Identifiers: ClinVar variation 2138227 (VCV002138227.4), dbSNP rs758007266, ClinGen allele CA8176008.